The following is an entry in ClinVar:

ClinVar aggregate classification (germline): Uncertain significance (1 of 4 stars; one submission).

Submission:

GeneDx
Classification: Uncertain significance. Last evaluated: 2025-01-26. Review status: criteria provided, single submitter. Criteria: GeneDx Variant Classification Process June 2021. Collection method: clinical testing. Allele origin: germline. Affected: yes.
Comment: Not observed at significant frequency in large population cohorts (gnomAD); In silico analysis supports that this missense variant has a deleterious effect on protein structure/function; Has not been previously published as pathogenic or benign to our knowledge

NM_173495.3(PTCHD1):c.1849T>C (p.Phe617Leu)

Gene: PTCHD1 (patched domain containing 1; plus strand). Cytogenetic location: Xp22.11.
Variant type: single nucleotide variant.
Coding change: c.1849T>C on transcript NM_173495.3 (MANE Select); coding-DNA position 1849, T replaced by C.
Protein change: p.Phe617Leu; replaces phenylalanine 617 with leucine.
Molecular consequence: missense variant.
Genome position (GRCh38, 1-based): chrX:23,393,367, T>C. VCF-style: chrX-23393367-T-C. GRCh37 (hg19) VCF-style: chrX-23411484-T-C.
Other names: short protein forms F617L.
Identifiers: ClinVar variation 4072522 (VCV004072522.1).